The following is an entry in ClinVar:

NM_016333.4(SRRM2):c.2080T>A (p.Ser694Thr)

Gene: SRRM2 (serine/arginine repetitive matrix 2; plus strand). Cytogenetic location: 16p13.3.
Variant type: single nucleotide variant.
Coding change: c.2080T>A on transcript NM_016333.4 (MANE Select); coding-DNA position 2080, T replaced by A.
Protein change: p.Ser694Thr; replaces serine 694 with threonine.
Molecular consequence: missense variant.
Genome position (GRCh38, 1-based): chr16:2,762,608, T>A. VCF-style: chr16-2762608-T-A. GRCh37 (hg19) VCF-style: chr16-2812609-T-A.
Other names: short protein forms S694T.
Identifiers: ClinVar variation 2443425 (VCV002443425.1), dbSNP rs2505604289, ClinGen allele CA394410540.

ClinVar aggregate classification (germline): Uncertain significance (1 of 4 stars; one submission).

Submission:

GeneDx
Classification: Uncertain significance. Last evaluated: 2022-09-09. Review status: criteria provided, single submitter. Criteria: GeneDx Variant Classification Process June 2021. Collection method: clinical testing. Allele origin: germline. Affected: yes.
Comment: Not observed at significant frequency in large population cohorts (gnomAD); In silico analysis supports that this missense variant does not alter protein structure/function; Has not been previously published as pathogenic or benign to our knowledge